The following is an entry in ClinVar:

NM_007294.4(BRCA1):c.5467+12G>C

Gene: BRCA1 (BRCA1 DNA repair associated; minus strand). Cytogenetic location: 17q21.31.
Variant type: single nucleotide variant.
Coding change: c.5467+12G>C on transcript NM_007294.4 (MANE Select); 12 bases into the intron after coding-DNA position 5467, G replaced by C.
Molecular consequence: intron variant.
Genome position (GRCh38, 1-based): chr17:43,047,631, C>G on the plus strand (G>C on the coding strand, the complement: BRCA1 is on the minus strand). VCF-style: chr17-43047631-C-G. GRCh37 (hg19) VCF-style: chr17-41199648-C-G.
Other names: c.2032+12G>C (NM_001408442.1, NM_001408436.1, NM_001408435.1 and 10 more transcripts); c.2035+12G>C (NM_001408426.1, NM_001408430.1, NM_001408427.1 and 4 more transcripts); c.2155+12G>C (NM_001407982.1, NM_001407980.1, NM_001407993.1 and 10 more transcripts); c.2224+12G>C (NM_001407970.1, NM_001407971.1); c.5464+12G>C (NM_001407621.1, NM_001407613.1, NM_001407618.1 and 14 more transcripts); c.5467+12G>C (NM_001407593.1, NM_001407603.1, NM_001407598.1 and 5 more transcripts); c.2014+12G>C (NM_001408458.1, NM_001408461.1, NM_001408464.1 and 7 more transcripts); c.4576+12G>C (NM_001407967.1); and 83 more.
Identifiers: ClinVar variation 868935 (VCV000868935.3), dbSNP rs991060806, ClinGen allele CA916080752.

Conditions:
Breast-ovarian cancer, familial, susceptibility to, 1 (BROVCA1). Also called: BRCA1 Hereditary Breast and Ovarian Cancer; OVARIAN CANCER, SUSCEPTIBILITY TO. Identifiers: Orphanet 145, MedGen C2676676, MONDO:0011450, OMIM 604370. Disease mechanism: loss of function.

Submission:

Brotman Baty Institute, University of Washington
No classification provided (evidence only). Condition: Breast-ovarian cancer, familial 1. Review status: no classification provided. Collection method: in vitro. Allele origin: not applicable. Functional consequence: functionally_normal.
ClinVar note: "not provided" was previously submitted as the classification for the variant. However, the classification appeared to be based only on an observation of functional data so it was converted to no classification on 2025-07-30.